The following is an entry in ClinVar:

NM_000169.3(GLA):c.268T>G (p.Cys90Gly)

Genes: GLA (galactosidase alpha; minus strand), RPL36A-HNRNPH2 (RPL36A-HNRNPH2 readthrough; plus strand). Cytogenetic location: Xq22.1.
Variant type: single nucleotide variant.
Coding change: c.268T>G on transcript NM_000169.3 (MANE Select); coding-DNA position 268, T replaced by G.
Protein change: p.Cys90Gly; replaces cysteine 90 with glycine.
Molecular consequence: missense variant. On other transcripts: non-coding transcript variant (3), intron variant (2).
Genome position (GRCh38, 1-based): chrX:101,403,912, A>C on the plus strand (T>G on the coding strand, the complement: GLA is on the minus strand). VCF-style: chrX-101403912-A-C. GRCh37 (hg19) VCF-style: chrX-100658900-A-C.
Other names: c.391T>G, p.Cys131Gly (NM_001406747.1, NM_001406749.1); c.268T>G, p.Cys90Gly (NM_001406748.1); c.301-8024A>C (NM_001199973.2); c.178-8024A>C (NM_001199974.2); short protein forms C131G, C90G.
Identifiers: ClinVar variation 4974875 (VCV004974875.1).

ClinVar aggregate classification (germline): Likely pathogenic (1 of 4 stars; one submission).

Conditions:
Fabry disease. Also called: Fabry's disease; ALPHA-GALACTOSIDASE A DEFICIENCY; ANDERSON-FABRY DISEASE; CERAMIDE TRIHEXOSIDASE DEFICIENCY; GLA DEFICIENCY; HEREDITARY DYSTOPIC LIPIDOSIS. Identifiers: Orphanet 324, MedGen C0002986, MONDO:0010526, OMIM 301500, HP:0001071. Disease mechanism: Fabry disease is due to inactivating mutations in the X-linked GLA gene resulting in deficiency of the enzyme Alpha Galactosidase-A., loss of function.

Submission:

Genomenon, Inc
Classification: Likely pathogenic for Fabry disease. Last evaluated: 2026-09-08. Review status: criteria provided, single submitter. Criteria: Genomenon Sequence Variant Interpretation Standards - Updated. Collection method: curation. Allele origin: germline. Affected: no.
Comment: GLA p.Cys90Gly (c.268T>G) is a missense variant that changes the amino acid at codon 90 from Cysteine to Glycine. To our knowledge, this variant has not been reported in patients affected with Fabry disease in the published literature. At least one functional study has demonstrated a substantial alteration in protein function relative to the wild-type (PMID:26044846). This variant is located in a mutational hotspot and/or important functional domain. It is absent or not present at a significant frequency in gnomAD. In silico models predict that this variant is possibly or probably damaging. In conclusion, we classify GLA p.Cys90Gly (c.268T>G) as a likely pathogenic variant.

Literature cited by the submitters: PubMed 26044846.